The following is an entry in ClinVar:

NM_001069.3(TUBB2A):c.1099T>C (p.Phe367Leu)

Gene: TUBB2A (tubulin beta 2A class IIa; minus strand). Cytogenetic location: 6p25.2.
Variant type: single nucleotide variant.
Coding change: c.1099T>C on transcript NM_001069.3 (MANE Select); coding-DNA position 1099, T replaced by C.
Protein change: p.Phe367Leu; replaces phenylalanine 367 with leucine.
Molecular consequence: missense variant.
Genome position (GRCh38, 1-based): chr6:3,154,102, A>G on the plus strand (T>C on the coding strand, the complement: TUBB2A is on the minus strand). VCF-style: chr6-3154102-A-G. GRCh37 (hg19) VCF-style: chr6-3154336-A-G.
Other names: c.844T>C, p.Phe282Leu (NM_001310315.2); short protein forms F282L, F367L.
Identifiers: ClinVar variation 813942 (VCV000813942.1), dbSNP rs1581496432, ClinGen allele CA362591238.
Genomic context (GRCh38, chr6:3,154,102, plus strand): 5'-CCGTGAACTGCTCGGAGATGCGCTTGAACAGCTCCTGGATGGCCGTGCTGTTGCCGATGA[A>G]GGTGGCCGACATCTTCAGGCCGCGGGGCGGGATGTCGCACACGGCCGTCTTCACGTTGTT-3'
Protein context (NP_001060.1, residues 357-377): PPRGLKMSAT[Phe367Leu]IGNSTAIQEL

ClinVar aggregate classification (germline): Uncertain significance (1 of 4 stars; one submission).

Conditions:
Complex cortical dysplasia with other brain malformations 5. Identifiers: MedGen C3810407, MONDO:0014337, OMIM 615763.

Submission:

Broad Center for Mendelian Genomics, Broad Institute of MIT and Harvard
Classification: Uncertain significance for Complex cortical dysplasia with other brain malformations 5. Last evaluated: 2018-12-03. Review status: criteria provided, single submitter. Criteria: ACMG Guidelines, 2015. Collection method: research. Allele origin: germline. Inheritance: Autosomal dominant inheritance. Affected: yes.
Comment: This variant was absent from large population studies. Computational prediction tools and conservation analyses suggest that this variant may impact the protein, though this information is not predictive enough to determine pathogenicity. In summary, the clinical significance of the p.Phe367Leu variant is uncertain. ACMG/AMP Criteria applied: PM2, PP3 (Richards 2015).